The following is an entry in ClinVar:

ClinVar aggregate classification (germline): Uncertain significance (1 of 4 stars; one submission).

Conditions:
Inborn genetic diseases. Identifiers: MedGen C0950123, MeSH D030342.

Allele frequency attached by ClinVar (database versions not stated): TOPMed 0.00002.
gnomAD v4.1: 1 of 1,614,092 alleles (0.000062%); highest among the groups gnomAD compares: Non-Finnish European, 0.000085%; no homozygotes.

Submission:

Ambry Genetics
Classification: Uncertain significance for Inborn genetic diseases. Last evaluated: 2023-01-16. Review status: criteria provided, single submitter. Criteria: Ambry Variant Classification Scheme 2023. Collection method: clinical testing. Allele origin: germline.
Comment: The p.A282P variant (also known as c.844G>C), located in coding exon 7 of the BUB1B gene, results from a G to C substitution at nucleotide position 844. The alanine at codon 282 is replaced by proline, an amino acid with highly similar properties. This amino acid position is conserved. In addition, this alteration is predicted to be tolerated by in silico analysis. Since supporting evidence is limited at this time, the clinical significance of this alteration remains unclear.

NM_001211.6(BUB1B):c.844G>C (p.Ala282Pro)

Gene: BUB1B (BUB1 mitotic checkpoint serine/threonine kinase B; plus strand). Cytogenetic location: 15q15.1.
Variant type: single nucleotide variant.
Coding change: c.844G>C on transcript NM_001211.6 (MANE Select); coding-DNA position 844, G replaced by C.
Protein change: p.Ala282Pro; replaces alanine 282 with proline.
Molecular consequence: missense variant.
Genome position (GRCh38, 1-based): chr15:40,185,257, G>C. VCF-style: chr15-40185257-G-C. GRCh37 (hg19) VCF-style: chr15-40477458-G-C.
Other names: short protein forms A282P.
Identifiers: ClinVar variation 2497665 (VCV002497665.2), dbSNP rs769897552, ClinGen allele CA391684329.